The following is an entry in ClinVar:

ClinVar aggregate classification (germline): Benign/Likely benign. Review status: criteria provided, multiple submitters, no conflicts (2 of 4 stars). 2 submissions from 2 submitters: Benign (1); Likely benign (1). Last evaluated 2024-11-06.

Conditions:
Papillary renal cell carcinoma type 1 (RCCP1). Also called: RENAL CELL CARCINOMA, PAPILLARY, 1, SOMATIC; Renal adenocarcinoma; Renal cell carcinoma 1; Renal cell carcinoma, somatic. Identifiers: Orphanet 47044, MedGen C1336839, OMIM 605074, HP:0011797.
Hereditary cancer-predisposing syndrome. Also called: Neoplastic Syndromes, Hereditary; Tumor predisposition; Hereditary Cancer Syndrome; Hereditary neoplastic syndrome. Identifiers: Orphanet 140162, MedGen C0027672, MeSH D009386, MONDO:0015356.

Submissions (2):

Myriad Genetics, Inc.
Classification: Benign for Papillary renal cell carcinoma type 1. Last evaluated: 2024-11-06. Review status: criteria provided, single submitter. Criteria: Myriad Autosomal Dominant, Autosomal Recessive and X-Linked Classification Criteria (2023). Collection method: clinical testing. Allele origin: unknown.
Comment: This variant is considered benign. This variant is a silent/synonymous amino acid change and it is not expected to impact splicing.

Ambry Genetics
Classification: Likely benign for Hereditary cancer-predisposing syndrome. Last evaluated: 2020-07-19. Review status: criteria provided, single submitter. Criteria: Ambry Variant Classification Scheme 2023. Collection method: clinical testing. Allele origin: germline.

NM_000245.4(MET):c.201T>C (p.Thr67=)

Gene: MET (MET proto-oncogene, receptor tyrosine kinase; plus strand). Cytogenetic location: 7q31.2.
Variant type: single nucleotide variant.
Coding change: c.201T>C on transcript NM_000245.4 (MANE Select); coding-DNA position 201, T replaced by C.
Protein change: p.Thr67=; no amino-acid change (threonine 67 retained).
Molecular consequence: synonymous variant. On other transcripts: intron variant (1).
Genome position (GRCh38, 1-based): chr7:116,699,285, T>C. VCF-style: chr7-116699285-T-C. GRCh37 (hg19) VCF-style: chr7-116339339-T-C.
Other names: c.201T>C, p.Thr67= (NM_001127500.3, NM_001324401.3); c.-91+26708T>C (NM_001324402.2).
Identifiers: ClinVar variation 1784541 (VCV001784541.3), dbSNP rs2485506620, ClinGen allele CA457447994.